The following is an entry in ClinVar:

ClinVar aggregate classification (germline): Uncertain significance (1 of 4 stars; one submission).

Conditions:
Left ventricular noncompaction 1 (LVNC1). Also called: LEFT VENTRICULAR NONCOMPACTION 1 WITH OR WITHOUT CONGENITAL HEART DEFECTS. Identifiers: Orphanet 54260, MedGen C1858725, MONDO:0011403, OMIM 604169.

Allele frequency attached by ClinVar (database versions not stated): gnomAD exomes below 0.00001.
gnomAD v4.1: 5 of 1,614,054 alleles (0.00031%); highest among the groups gnomAD compares: East Asian, 0.011%; no homozygotes.

Submission:

Labcorp Genetics (formerly Invitae), Labcorp
Classification: Uncertain significance for Left ventricular noncompaction 1. Last evaluated: 2022-10-13. Review status: criteria provided, single submitter. Criteria: Invitae Variant Classification Sherloc (09022015). Collection method: clinical testing. Allele origin: germline.
Comment: In summary, the available evidence is currently insufficient to determine the role of this variant in disease. Therefore, it has been classified as a Variant of Uncertain Significance. Algorithms developed to predict the effect of missense changes on protein structure and function are either unavailable or do not agree on the potential impact of this missense change (SIFT: "Deleterious"; PolyPhen-2: "Benign"; Align-GVGD: "Class C0"). ClinVar contains an entry for this variant (Variation ID: 1486203). This variant has not been reported in the literature in individuals affected with DTNA-related conditions. This variant is present in population databases (no rsID available, gnomAD 0.006%). This sequence change replaces glycine, which is neutral and non-polar, with arginine, which is basic and polar, at codon 684 of the DTNA protein (p.Gly684Arg).

NM_001386795.1(DTNA):c.2131G>A (p.Gly711Arg)

Gene: DTNA (dystrobrevin alpha; plus strand). Cytogenetic location: 18q12.1.
Variant type: single nucleotide variant.
Coding change: c.2131G>A on transcript NM_001386795.1 (MANE Select); coding-DNA position 2131, G replaced by A.
Protein change: p.Gly711Arg; replaces glycine 711 with arginine.
Molecular consequence: missense variant.
Genome position (GRCh38, 1-based): chr18:34,879,688, G>A. VCF-style: chr18-34879688-G-A. GRCh37 (hg19) VCF-style: chr18-32459652-G-A.
Other names: c.1870G>A, p.Gly624Arg (NM_001198938.2, NM_001198940.2, NM_001386753.1 and 5 more transcripts); c.1891G>A, p.Gly631Arg (NM_001198939.2); c.1177G>A, p.Gly393Arg (NM_001198942.1); c.1120G>A, p.Gly374Arg (NM_001198943.1); c.1006G>A, p.Gly336Arg (NM_001198944.1); c.1960G>A, p.Gly654Arg (NM_001386754.1, NM_001386755.1, NM_001386756.1 and 3 more transcripts); c.1867G>A, p.Gly623Arg (NM_001386768.1, NM_001386769.1); c.2131G>A, p.Gly711Arg (NM_001386788.1); and 5 more; short protein forms G623R, G631R, G653R, G336R, G374R, G627R, G684R, G393R.
Identifiers: ClinVar variation 1486203 (VCV001486203.6), dbSNP rs1320504182, ClinGen allele CA402180351.